The following is an entry in ClinVar:

NM_014989.7(RIMS1):c.2957G>A (p.Arg986Lys)

Gene: RIMS1 (regulating synaptic membrane exocytosis 1; plus strand). Cytogenetic location: 6q13.
Variant type: single nucleotide variant.
Coding change: c.2957G>A on transcript NM_014989.7 (MANE Select); coding-DNA position 2957, G replaced by A.
Protein change: p.Arg986Lys; replaces arginine 986 with lysine.
Molecular consequence: missense variant.
Genome position (GRCh38, 1-based): chr6:72,259,015, G>A. VCF-style: chr6-72259015-G-A. GRCh37 (hg19) VCF-style: chr6-72968718-G-A.
Other names: c.1376G>A, p.Arg459Lys (NM_001168407.2, NM_001350415.2, NM_001350418.2 and 19 more transcripts); c.1379G>A, p.Arg460Lys (NM_001168408.2, NM_001350414.2, NM_001350416.2 and 15 more transcripts); c.1136G>A, p.Arg379Lys (NM_001168409.2, NM_001350464.2, NM_001350465.2 and 3 more transcripts); c.1334G>A, p.Arg445Lys (NM_001168410.2, NM_001350470.2, NM_001350473.2 and 1 more transcripts); c.1307G>A, p.Arg436Lys (NM_001350421.2, NM_001350430.2, NM_001350450.2 and 2 more transcripts); c.1310G>A, p.Arg437Lys (NM_001350424.2, NM_001350428.2, NM_001350459.2 and 1 more transcripts); c.1133G>A, p.Arg378Lys (NM_001350468.2, NM_001350461.2, NM_001350463.2); c.1331G>A, p.Arg444Lys (NM_001350472.2); short protein forms R437K, R444K, R378K, R986K, R379K, R445K, R459K, R436K.
Identifiers: ClinVar variation 1410568 (VCV001410568.8), dbSNP rs755633898, ClinGen allele CA3886091.
Genomic context (GRCh38, chr6:72,259,015, plus strand): 5'-TTGACACATAAGAATTTTGTAATCATTTTAGGAGTTTAGATGAAATTCATCCAACAAGAA[G>A]GTCACGTTCTCCAACCAGACACCATGATGCCTCCCGAAGTCCAGTTGATCATAGAACCAG-3'
Protein context (NP_055804.2, residues 976-996): RSLDEIHPTR[Arg986Lys]SRSPTRHHDA

ClinVar aggregate classification (germline): Uncertain significance (1 of 4 stars; one submission).

Allele frequency attached by ClinVar (database versions not stated): gnomAD exomes below 0.00001 and 0.00001; ExAC 0.00001; TOPMed 0.00001; gnomAD 0.00003.
gnomAD v4.1: 7 of 1,612,564 alleles (0.00043%); highest among the groups gnomAD compares: African/African-American, 0.008%; no homozygotes.

Submission:

Labcorp Genetics (formerly Invitae), Labcorp
Classification: Uncertain significance. Last evaluated: 2022-07-12. Review status: criteria provided, single submitter. Criteria: Invitae Variant Classification Sherloc (09022015). Collection method: clinical testing. Allele origin: germline.
Comment: This sequence change replaces arginine, which is basic and polar, with lysine, which is basic and polar, at codon 986 of the RIMS1 protein (p.Arg986Lys). This variant is present in population databases (rs755633898, gnomAD 0.02%). This variant has not been reported in the literature in individuals affected with RIMS1-related conditions. ClinVar contains an entry for this variant (Variation ID: 1410568). Algorithms developed to predict the effect of missense changes on protein structure and function (SIFT, PolyPhen-2, Align-GVGD) all suggest that this variant is likely to be disruptive. In summary, the available evidence is currently insufficient to determine the role of this variant in disease. Therefore, it has been classified as a Variant of Uncertain Significance.